The following is an entry in ClinVar:

NM_025243.4(SLC19A3):c.980-246G>A

Gene: SLC19A3 (solute carrier family 19 member 3; minus strand). Cytogenetic location: 2q36.3.
Variant type: single nucleotide variant.
Coding change: c.980-246G>A on transcript NM_025243.4 (MANE Select); 246 bases into the intron before coding-DNA position 980, G replaced by A.
Molecular consequence: intron variant.
Genome position (GRCh38, 1-based): chr2:227,696,327, C>T on the plus strand (G>A on the coding strand, the complement: SLC19A3 is on the minus strand). VCF-style: chr2-227696327-C-T. GRCh37 (hg19) VCF-style: chr2-228561043-C-T.
Identifiers: ClinVar variation 674165 (VCV000674165.1), dbSNP rs6745885, ClinGen allele CA66659086.

ClinVar aggregate classification (germline): Benign (1 of 4 stars; one submission).

Allele frequency attached by ClinVar (database versions not stated): 1000 Genomes Project 0.01538; 1000 Genomes Project 30x 0.01718; gnomAD 0.01921 and 0.02080; TOPMed 0.02178.
gnomAD v4.1: 2,902 of 152,230 alleles (1.9%); highest among the groups gnomAD compares: African/African-American, 6.6%; 114 homozygotes.

Submission:

GeneDx
Classification: Benign. Last evaluated: 2018-06-19. Review status: criteria provided, single submitter. Criteria: GeneDx Variant Classification (06012015). Collection method: clinical testing. Allele origin: germline. Affected: yes.
Comment: This variant is considered likely benign or benign based on one or more of the following criteria: it is a conservative change, it occurs at a poorly conserved position in the protein, it is predicted to be benign by multiple in silico algorithms, and/or has population frequency not consistent with disease.